The following is an entry in ClinVar:

ClinVar aggregate classification (germline): Pathogenic/Likely pathogenic. Review status: criteria provided, multiple submitters, no conflicts (2 of 4 stars). 29 submissions from 27 submitters: Pathogenic (24); Likely pathogenic (2). 3 of the submissions do not count toward it. Last evaluated 2026-05-01.

Conditions:
G6PD-related disorders.
G6PD-related disorder. Also called: G6PD-related condition.
Inborn genetic diseases. Identifiers: MedGen C0950123, MeSH D030342.
Malaria, susceptibility to. Identifiers: Orphanet 673, MedGen C1970028, MONDO:0021024, OMIM 611162.
Anemia, nonspherocytic hemolytic, due to G6PD deficiency (CNSHA1). Also called: Class I glucose-6-phosphate dehydrogenase deficiency; ANEMIA, CONGENITAL, NONSPHEROCYTIC HEMOLYTIC, 1; Hemolytic anemia due to G6PD deficiency; Favism, susceptibility to. Identifiers: Orphanet 466026, MedGen C2720289, MONDO:0010480, OMIM 300908.
G6PD MODENA.
G6PD deficiency. Also called: G6PD A-. Identifiers: MedGen C2939465, MONDO:0005775.
G6PD SEATTLE-LIKE.

Allele frequency attached by ClinVar (database versions not stated): 1000 Genomes Project 0.00026; gnomAD 0.00072; TOPMed 0.00058; 1000 Genomes Project 30x 0.00042; gnomAD exomes 0.00070 and 0.00090.
gnomAD v4.1: 1,080 of 1,211,000 alleles (0.089%); highest among the groups gnomAD compares: Non-Finnish European, 0.1%; no homozygotes.

Submissions 1 to 8 of 29:

CeGaT Center for Human Genetics Tuebingen
Classification: Pathogenic. Last evaluated: 2026-05-01. Review status: criteria provided, single submitter. Criteria: CeGaT Center For Human Genetics Tuebingen Variant Classification Criteria Version 2. Collection method: clinical testing. Allele origin: germline. Affected: yes. Observed: 26 variant alleles.
Comment: G6PD: PS4, PM5, PP1:Moderate, PS3:Moderate, PP3

Ambry Genetics
Classification: Pathogenic for Inborn genetic diseases. Last evaluated: 2026-02-11. Review status: criteria provided, single submitter. Criteria: Ambry Variant Classification Scheme 2023. Collection method: clinical testing. Allele origin: germline.
Comment: The c.844G>C (p.D282H) alteration is located in exon 8 (coding exon 7) of the G6PD gene. This alteration results from a G to C substitution at nucleotide position 844, causing the aspartic acid (D) at amino acid position 282 to be replaced by a histidine (H). Based on data from gnomAD, the C allele has an overall frequency of 0.069% (142/205264) total alleles studied, including 53 hemizygotes. The highest observed frequency was 0.111% (103/92538) of European (non-Finnish) alleles. This variant was reported in individual(s) with features consistent with G6PD deficient hemolytic anemia (De Vita, 1989; Ninfali, 1991; Alfinito, 1994; Cappellini, 1994; Frigerio, 1994; Cabrera, 1996; Pietrapertosa, 2001; Rodrigues, 2002; Demir, 2009; Bancone, 2014; Rudilla, 2019; Manco, 2023). Note, this variant is also referred to as G6PD Seattle, Seattle-like, Ferrara II, Athens-like, Lodi, and Modena in the literature. This amino acid position is highly conserved in available vertebrate species. Functional studies suggest abnormal G6PD function due to decreased catalytic activity, decreased affinity for physiological substrates, change to protein secondary structure, and protein instability; however, additional evidence is needed to confirm these findings (Cort&eacute;s-Morales, 2018). This alteration is predicted to be deleterious by in silico analysis. Based on the available evidence, this alteration is classified as pathogenic.

Dasa
Classification: Pathogenic. Last evaluated: 2026-02-02. Review status: criteria provided, single submitter. Criteria: DASA Assertion Criteria. Collection method: clinical testing. Allele origin: germline.
Comment: NM_001360016.2(G6PD):c.844G>C (p.Asp282His) is a missense variant that results in the substitution of aspartic acid with histidine. Functional evidence supports a deleterious effect on the gene or gene product (PMID: 7705842; PMID: 7947250; PMID: 36829893). This variant has been recurrently observed in individuals with related phenotype (PMID: 7705842; PMID: 7947250; PMID: 36829893). Multiple computational predictions support a deleterious effect on the gene or gene product. The variant is present at low frequency in population datasets. Based on the available data, this variant is classified as pathogenic.

Labcorp Genetics (formerly Invitae), Labcorp
Classification: Pathogenic for Anemia, nonspherocytic hemolytic, due to G6PD deficiency. Last evaluated: 2026-01-26. Review status: criteria provided, single submitter. Criteria: Invitae Variant Classification Sherloc (09022015). Collection method: clinical testing. Allele origin: germline.
Comment: This sequence change replaces aspartic acid, which is acidic and polar, with histidine, which is basic and polar, at codon 282 of the G6PD protein (p.Asp282His). This variant is present in population databases (rs137852318, gnomAD 0.1%), and has an allele count higher than expected for a pathogenic variant. This missense change has been observed in individuals with G6PD deficiency (PMID: 2912069, 5305539, 7806085, 7947239, 7947250, 8807321). It has also been observed to segregate with disease in related individuals. ClinVar contains an entry for this variant (Variation ID: 10372). Invitae Evidence Modeling of protein sequence and biophysical properties (such as structural, functional, and spatial information, amino acid conservation, physicochemical variation, residue mobility, and thermodynamic stability) indicates that this missense variant is expected to disrupt G6PD protein function with a positive predictive value of 95%. Experimental studies have shown that this missense change affects G6PD function (PMID: 7806085, 7947239). For these reasons, this variant has been classified as Pathogenic.

Rady Children's Institute for Genomic Medicine, Rady Children's Hospital San Diego
Classification: Pathogenic for G6PD deficiency. Last evaluated: 2025-11-17. Review status: criteria provided, single submitter. Criteria: ACMG Guidelines, 2015. Collection method: clinical testing. Allele origin: germline. Affected: yes.
Comment: This variant is also referred to as c.934G>C (p.Asp312His), the Seattle, Seattle-like, Lodi, Modena, Athens-like or Ferarra II variant. This is a known Pathogenic variant that has been previously reported as a hemizygous change in patients with G6PD deficiency (PMID: 2912069, 28902532). Functional studies demonstrate that this variant leads to a partial reduction in G6PD activity, reduced substrate affinity, and loss of protein stability (PMID: 7806085, 7947239, 7947250, 30096395), consistent with a class III or moderate severity variant (PMID: 16225031). The c.844G>C (p.Asp282His) variant is present in the latest version of the gnomAD population database at an allele frequency of 0.089% (1080/1211000), including 313 hemizygous individuals. The c.844G>C (p.Asp282His) variant affects a highly conserved amino acid and is predicted by multiple in silico tools to have a deleterious effect on protein function. Based on the available evidence, c.844G>C (p.Asp282His) is classified as Pathogenic.

Revvity Omics, Revvity
Classification: Likely pathogenic for Anemia, nonspherocytic hemolytic, due to G6PD deficiency. Last evaluated: 2025-07-15. Review status: criteria provided, single submitter. Criteria: ACMG Guidelines, 2015. Collection method: clinical testing. Allele origin: germline.

Victorian Clinical Genetics Services, Murdoch Childrens Research Institute
Classification: Pathogenic for Anemia, nonspherocytic hemolytic, due to G6PD deficiency. Last evaluated: 2025-05-22. Review status: criteria provided, single submitter. Criteria: ACMG Guidelines, 2015. Collection method: clinical testing. Allele origin: germline.
Comment: This variant is classified as Pathogenic. Evidence in support of pathogenic classification: This variant has strong previous evidence of pathogenicity in unrelated individuals. This variant is a well-known pathogenic allele also known as G6PD Seattle/Ferrara II/Modena/Athens-like (ClinVar, PMID: 11146567, 12064920, 25536053); This variant has strong functional evidence supporting abnormal protein function. Functional studies have shown abnormal enzyme function and increased protein instability (PMID: 11146567, 12064920, 30096395); Missense variant consistently predicted to be damaging by multiple in silico tools or highly conserved with a major amino acid change. Additional information: Variant is predicted to result in a missense amino acid change from aspartic acid to histidine; This variant is hemizygous; This gene is associated with X-linked recessive disease. Hemizygous males and homozygous females are commonly affected, however some heterozygous females can also be affected depending on X inactivation; Variant is present in gnomAD (v2) >=0.001 and <0.01 for a dominant condition (89 heterozygotes, 0 homozygotes, 53 hemizygotes); Variant is located in the annotated G6PD C-terminal domain (DECIPHER); Loss of function is a known mechanism of disease in this gene and is associated with G6PD deficient congenital nonspherocytic haemolytic anaemia 1 (MIM#300908); Inheritance information for this variant is not currently available in this individual.

Variantyx, Inc.
Classification: Pathogenic for Anemia, nonspherocytic hemolytic, due to G6PD deficiency. Last evaluated: 2025-03-25. Review status: criteria provided, single submitter. Criteria: Variantyx Assertion Criteria 2022. Collection method: clinical testing. Allele origin: germline.
Comment: This is a nonsynonymous variant in the G6PD gene (OMIM: 305900). Pathogenic variants in this gene have been associated with X-linked hemolytic anemia due to G6PD deficiency (favism). This variant, also known as G6PD Athens-like, Ferrara II, Lodi, Modena, Seattle, or Seattle-like, has been reported in many unrelated, affected individuals (PMID: 31681265, 7947239, 2912069 , 28902532, 30096395, 36007526, 7947250, 7806085, 5305539, 5770172, 8807321) (PS4). Functional studies have shown that this variant alters G6PD protein function (PMID: 7806085, 7947239, 30096395) (PS3). An alternate amino acid change at this position (p.Asp282Tyr) has been reported in affected individuals; however, its pathogenicity has not been established (PMID: 16927025). Multiple computational algorithms predict a deleterious effect for this variant (REVEL score: 0.877) (PP3_Moderate). This variant has a 0.1037% maximum allele frequency in non-founder control populations. Based on the current evidence, this variant is classified as pathogenic for X-linked hemolytic anemia due to G6PD deficiency (favism).Individuals with G6PD deficiency may be asymptomatic most of the time, but exposure to certain triggers such as infections, fava beans, and certain drugs can result in episodes of hemolytic anemia which may require clinical attention (PMID: 26417175).

NM_000402.4(G6PD):c.934G>C (p.Asp312His)

Gene: G6PD (glucose-6-phosphate dehydrogenase; minus strand). Cytogenetic location: Xq28.
Variant type: single nucleotide variant.
Coding change: c.934G>C on transcript NM_000402.4; coding-DNA position 934, G replaced by C.
Protein change: p.Asp312His; replaces aspartic acid 312 with histidine.
Molecular consequence: missense variant.
Genome position (GRCh38, 1-based): chrX:154,533,596, C>G on the plus strand (G>C on the coding strand, the complement: G6PD is on the minus strand). VCF-style: chrX-154533596-C-G. GRCh37 (hg19) VCF-style: chrX-153761811-C-G.
Other names: G6PD, ASP282HIS; G6PD Athens-like; G6PD Ferrara-II; G6PD Lodi; G6PD Modena; G6PD Seattle; c.844G>C, p.Asp282His (NM_001042351.3, NM_001360016.2); short protein forms D282H, D312H.
Identifiers: ClinVar variation 10372 (VCV000010372.86), dbSNP rs137852318, ClinGen allele CA120963.